The following is an entry in ClinVar:

ClinVar aggregate classification (germline): Uncertain significance (1 of 4 stars; one submission).

Conditions:
Inborn genetic diseases. Identifiers: MedGen C0950123, MeSH D030342.

Submission:

Ambry Genetics
Classification: Uncertain significance for Inborn genetic diseases. Last evaluated: 2025-03-07. Review status: criteria provided, single submitter. Criteria: Ambry Variant Classification Scheme 2023. Collection method: clinical testing. Allele origin: germline.
Comment: The c.-2C>T variant is located in the 5' untranslated region (5&rsquo; UTR) of the CEBPA gene. This variant results from a C to T substitution 2 bases upstream from the first translated codon. This nucleotide position is highly conserved in available vertebrate species. Based on the available evidence, the clinical significance of this variant remains unclear.

NM_004364.5(CEBPA):c.-2C>T

Genes: CEBPA (CCAAT enhancer binding protein alpha; minus strand), LOC130064183 (ATAC-STARR-seq lymphoblastoid silent region 10495; plus strand). Cytogenetic location: 19q13.11.
Variant type: single nucleotide variant.
Coding change: c.-2C>T on transcript NM_004364.5 (MANE Select); 2 bases upstream of the start codon, C replaced by T.
Molecular consequence: 5 prime UTR variant. On other transcripts: missense variant (1).
Genome position (GRCh38, 1-based): chr19:33,302,416, G>A on the plus strand (C>T on the coding strand, the complement: CEBPA is on the minus strand). VCF-style: chr19-33302416-G-A. GRCh37 (hg19) VCF-style: chr19-33793322-G-A.
Other names: c.-359C>T (NM_001285829.2); c.104C>T, p.Pro35Leu (NM_001287424.2); c.-44C>T (NM_001287435.2); short protein forms P35L.
Identifiers: ClinVar variation 3831232 (VCV003831232.1).